The following is an entry in ClinVar:

ClinVar aggregate classification (germline): Pathogenic (1 of 4 stars; one submission).

Conditions:
Cockayne spectrum with or without cerebrooculofacioskeletal syndrome. Identifiers: MedGen CN315928, MONDO:0100506.

Submission:

Myriad Genetics, Inc.
Classification: Pathogenic for Cockayne spectrum with or without cerebrooculofacioskeletal syndrome. Last evaluated: 2024-08-28. Review status: criteria provided, single submitter. Criteria: Myriad Autosomal Dominant, Autosomal Recessive and X-Linked Classification Criteria (2023). Collection method: clinical testing. Allele origin: unknown.
Comment: NM_000124.2(ERCC6):c.517delT(S173Lfs*2) is expected to be pathogenic in the context of ERCC6-related disorders. This variant is predicted to lead to an abnormal or absent protein product due to the creation of a premature termination codon in ERCC6, a gene where loss-of-function variants are known to be pathogenic. Please note: this variant was assessed in the context of healthy population screening.

NM_000124.4(ERCC6):c.517del (p.Ser173fs)

Gene: ERCC6 (ERCC excision repair 6, chromatin remodeling factor; minus strand). Cytogenetic location: 10q11.23.
Variant type: Deletion.
Coding change: c.517del on transcript NM_000124.4 (MANE Select); coding-DNA position 517, one base deleted (T; older notation c.517delT).
Protein change: p.Ser173fs; shifts the reading frame from serine 173.
Molecular consequence: frameshift variant.
Genome position (GRCh38, 1-based): chr10:49,530,746, A deleted on the plus strand (T on the coding strand, the reverse complement: ERCC6 is on the minus strand); the first of 2 consecutive A bases (chr10:49,530,746-49,530,747); deleting either gives the same sequence. VCF-style (leftmost placement, unchanged base first): chr10-49530745-GA-G. GRCh37 (hg19) VCF-style: chr10-50738791-GA-G.
Other names: c.517del, p.Ser173fs (NM_001277058.2, NM_001277059.2, NM_001346440.2); short protein forms S173fs.
Identifiers: ClinVar variation 5013498 (VCV005013498.1).
Genomic context (GRCh38, chr10:49,530,745, plus strand): 5'-TCAAAAATGCAATACTGAATGTTATTCTGAATCACCTTATTATACTTCTGTCGTTTTACA[GA>G]ATCTAGTTTCCTGTTGATGTCTCTGCTGGTGGCAGCTTGAGGGCTAAGCTGTTCAATAAT-3'